The following is an entry in ClinVar:

NM_001256864.2(DNAJC6):c.1504C>T (p.His502Tyr)

Gene: DNAJC6 (DnaJ heat shock protein family (Hsp40) member C6; plus strand). Cytogenetic location: 1p31.3.
Variant type: single nucleotide variant.
Coding change: c.1504C>T on transcript NM_001256864.2 (MANE Select); coding-DNA position 1504, C replaced by T.
Protein change: p.His502Tyr; replaces histidine 502 with tyrosine.
Molecular consequence: missense variant.
Genome position (GRCh38, 1-based): chr1:65,392,466, C>T. VCF-style: chr1-65392466-C-T. GRCh37 (hg19) VCF-style: chr1-65858149-C-T.
Other names: c.1294C>T, p.His432Tyr (NM_001256865.2); c.1333C>T, p.His445Tyr (NM_014787.4); short protein forms H432Y, H445Y, H502Y.
Identifiers: ClinVar variation 3008009 (VCV003008009.1), dbSNP rs1349153356, ClinGen allele CA340687562.

ClinVar aggregate classification (germline): Uncertain significance (1 of 4 stars; one submission).

Conditions:
Juvenile onset Parkinson disease 19A. Also called: DNAJC6 Parkinson Disease; PARK19. Identifiers: Orphanet 391411, MedGen C3809811, MONDO:0014231, OMIM 615528.

Submission:

Labcorp Genetics (formerly Invitae), Labcorp
Classification: Uncertain significance for Juvenile onset Parkinson disease 19A. Last evaluated: 2023-09-26. Review status: criteria provided, single submitter. Criteria: Invitae Variant Classification Sherloc (09022015). Collection method: clinical testing. Allele origin: germline.
Comment: This sequence change replaces histidine, which is basic and polar, with tyrosine, which is neutral and polar, at codon 502 of the DNAJC6 protein (p.His502Tyr). This variant is not present in population databases (gnomAD no frequency). This variant has not been reported in the literature in individuals affected with DNAJC6-related conditions. An algorithm developed to predict the effect of missense changes on protein structure and function (PolyPhen-2) suggests that this variant¬†is likely to be tolerated. In summary, the available evidence is currently insufficient to determine the role of this variant in disease. Therefore, it has been classified as a Variant of Uncertain Significance.